The following is an entry in ClinVar:

ClinVar aggregate classification (germline): Uncertain significance (1 of 4 stars; one submission).

Conditions:
Early-infantile DEE. Also called: Ohtahara syndrome; Early infantile epileptic encephalopathy; Early infantile epileptic encephalopathy with suppression bursts. Identifiers: Orphanet 1934, MedGen C0393706, MONDO:0800491.

Submission:

Labcorp Genetics (formerly Invitae), Labcorp
Classification: Uncertain significance for Early-infantile DEE. Last evaluated: 2022-10-18. Review status: criteria provided, single submitter. Criteria: Invitae Variant Classification Sherloc (09022015). Collection method: clinical testing. Allele origin: germline.
Comment: In summary, the available evidence is currently insufficient to determine the role of this variant in disease. Therefore, it has been classified as a Variant of Uncertain Significance. Advanced modeling of protein sequence and biophysical properties (such as structural, functional, and spatial information, amino acid conservation, physicochemical variation, residue mobility, and thermodynamic stability) performed at Invitae indicates that this missense variant is not expected to disrupt SCN1A protein function. ClinVar contains an entry for this variant (Variation ID: 1482810). This variant has not been reported in the literature in individuals affected with SCN1A-related conditions. This variant is not present in population databases (gnomAD no frequency). This sequence change replaces arginine, which is basic and polar, with glycine, which is neutral and non-polar, at codon 471 of the SCN1A protein (p.Arg471Gly).

NM_001165963.4(SCN1A):c.1411A>G (p.Arg471Gly)

Gene: SCN1A (sodium voltage-gated channel alpha subunit 1; minus strand). Cytogenetic location: 2q24.3.
Variant type: single nucleotide variant.
Coding change: c.1411A>G on transcript NM_001165963.4 (MANE Select); coding-DNA position 1411, A replaced by G.
Protein change: p.Arg471Gly; replaces arginine 471 with glycine.
Molecular consequence: missense variant. On other transcripts: 5 prime UTR variant (1), non-coding transcript variant (1).
Genome position (GRCh38, 1-based): chr2:166,045,294, T>C on the plus strand (A>G on the coding strand, the complement: SCN1A is on the minus strand). VCF-style: chr2-166045294-T-C. GRCh37 (hg19) VCF-style: chr2-166901804-T-C.
Other names: c.1411A>G, p.Arg471Gly (NM_001165964.3, NM_001202435.3, NM_001353948.2 and 7 more transcripts); c.1408A>G, p.Arg470Gly (NM_001353954.2, NM_001353955.2, NM_001353960.2); c.-1015A>G (NM_001353961.2); short protein forms R470G, R471G.
Identifiers: ClinVar variation 1482810 (VCV001482810.9), dbSNP rs1553545793, ClinGen allele CA349069889.